The following is an entry in ClinVar:

NM_000455.5(STK11):c.1015C>T (p.Pro339Ser)

Genes: STK11 (serine/threonine kinase 11; plus strand), LOC130062899 (ATAC-STARR-seq lymphoblastoid active region 13597; plus strand). Cytogenetic location: 19p13.3.
Variant type: single nucleotide variant.
Coding change: c.1015C>T on transcript NM_000455.5 (MANE Select); coding-DNA position 1015, C replaced by T.
Protein change: p.Pro339Ser; replaces proline 339 with serine.
Molecular consequence: missense variant.
Genome position (GRCh38, 1-based): chr19:1,223,079, C>T. VCF-style: chr19-1223079-C-T. GRCh37 (hg19) VCF-style: chr19-1223078-C-T.
Other names: short protein forms P339S.
Identifiers: ClinVar variation 1380310 (VCV001380310.11), dbSNP rs769644352, ClinGen allele CA402951714.
Genomic context (GRCh38, chr19:1,223,079, plus strand): 5'-CCAGTGCCCATCCCACCGAGCCCAGACACCAAGGACCGGTGGCGCAGCATGACTGTGGTG[C>T]CGTACTTGGAGGACCTGCACGGCGCGGACGAGGACGAGGACCTCTTCGACATCGAGGATG-3'
Protein context (NP_000446.1, residues 329-349): KDRWRSMTVV[Pro339Ser]YLEDLHGADE

ClinVar aggregate classification (germline): Uncertain significance. Review status: criteria provided, multiple submitters, no conflicts (2 of 4 stars). 2 submissions from 2 submitters: Uncertain significance (2). Last evaluated 2024-09-27.

Conditions:
Peutz-Jeghers syndrome (PJS). Also called: POLYPOSIS, HAMARTOMATOUS INTESTINAL; POLYPS-AND-SPOTS SYNDROME; Peutz-Jeghers polyposis; Periorificial lentiginosis syndrome. Identifiers: Orphanet 2869, MedGen C0031269, MeSH D010580, MONDO:0008280, OMIM 175200.
Hereditary cancer-predisposing syndrome. Also called: Tumor predisposition; Hereditary neoplastic syndrome; Neoplastic Syndromes, Hereditary; Hereditary Cancer Syndrome. Identifiers: Orphanet 140162, MedGen C0027672, MeSH D009386, MONDO:0015356.

Allele frequency attached by ClinVar (database versions not stated): gnomAD exomes below 0.00001.
gnomAD v4.1: 1 of 1,608,716 alleles (0.000062%); highest among the groups gnomAD compares: Admixed American, 0.0017%; no homozygotes.

Submissions (2):

Ambry Genetics
Classification: Uncertain significance for Hereditary cancer-predisposing syndrome. Last evaluated: 2024-09-27. Review status: criteria provided, single submitter. Criteria: Ambry Variant Classification Scheme 2023. Collection method: clinical testing. Allele origin: germline.
Comment: The p.P339S variant (also known as c.1015C>T), located in coding exon 8 of the STK11 gene, results from a C to T substitution at nucleotide position 1015. The proline at codon 339 is replaced by serine, an amino acid with similar properties. This amino acid position is highly conserved in available vertebrate species. In addition, the in silico prediction for this alteration is inconclusive. Since supporting evidence is limited at this time, the clinical significance of this alteration remains unclear.

Labcorp Genetics (formerly Invitae), Labcorp
Classification: Uncertain significance for Peutz-Jeghers syndrome. Last evaluated: 2023-10-27. Review status: criteria provided, single submitter. Criteria: Invitae Variant Classification Sherloc (09022015). Collection method: clinical testing. Allele origin: germline.
Comment: This sequence change replaces proline, which is neutral and non-polar, with serine, which is neutral and polar, at codon 339 of the STK11 protein (p.Pro339Ser). This variant is not present in population databases (gnomAD no frequency). This variant has not been reported in the literature in individuals affected with STK11-related conditions. ClinVar contains an entry for this variant (Variation ID: 1380310). Advanced modeling of protein sequence and biophysical properties (such as structural, functional, and spatial information, amino acid conservation, physicochemical variation, residue mobility, and thermodynamic stability) has been performed at Invitae for this missense variant, however the output from this modeling did not meet the statistical confidence thresholds required to predict the impact of this variant on STK11 protein function. In summary, the available evidence is currently insufficient to determine the role of this variant in disease. Therefore, it has been classified as a Variant of Uncertain Significance.